The following is an entry in ClinVar:

NM_001035.3(RYR2):c.2643A>C (p.Ile881=)

Gene: RYR2 (ryanodine receptor 2; plus strand). Cytogenetic location: 1q43.
Variant type: single nucleotide variant.
Coding change: c.2643A>C on transcript NM_001035.3 (MANE Select); coding-DNA position 2643, A replaced by C.
Protein change: p.Ile881=; no amino-acid change (isoleucine 881 retained).
Molecular consequence: synonymous variant.
Genome position (GRCh38, 1-based): chr1:237,506,739, A>C. VCF-style: chr1-237506739-A-C. GRCh37 (hg19) VCF-style: chr1-237670039-A-C.
Other names: p.Ile881=; c.2643A>C, p.Ile881= (LRG_402t1).
Identifiers: ClinVar variation 296715 (VCV000296715.35), dbSNP rs751869107, ClinGen allele CA086102.

ClinVar aggregate classification (germline): Benign/Likely benign. Review status: criteria provided, multiple submitters, no conflicts (2 of 4 stars). 12 submissions from 11 submitters: Benign (8); Likely benign (4). Last evaluated 2026-06-01.

Conditions:
RYR2-related disorder. Also called: RYR2-related condition.
Cardiovascular phenotype. Identifiers: MedGen CN230736.
Catecholaminergic polymorphic ventricular tachycardia (CVPT). Also called: Catecholamine-induced polymorphic ventricular tachycardia. Identifiers: Orphanet 3286, MedGen C5574922, MONDO:0017990.
Catecholaminergic polymorphic ventricular tachycardia 1. Also called: RYR2-Related Catecholaminergic Polymorphic Ventricular Tachycardia; VENTRICULAR TACHYCARDIA, CATECHOLAMINERGIC POLYMORPHIC, 1, WITH OR WITHOUT ATRIAL DYSFUNCTION AND/OR DILATED CARDIOMYOPATHY; VENTRICULAR TACHYCARDIA, STRESS-INDUCED POLYMORPHIC 1. Identifiers: Orphanet 3286, MedGen C1631597, MONDO:0011484, OMIM 604772.
Cardiomyopathy (CMYO). Also called: Cardiomyopathies. Identifiers: Orphanet 167848, MedGen C0878544, MONDO:0004994, HP:0001638. Inheritance: Various modes of inheritance.
Arrhythmogenic right ventricular dysplasia 2. Identifiers: MedGen C1832931.

Allele frequency attached by ClinVar (database versions not stated): gnomAD 0.00006; TOPMed 0.00020; ExAC 0.00051; gnomAD exomes 0.00057.
gnomAD v4.1: 164 of 1,613,496 alleles (0.01%); highest among the groups gnomAD compares: Admixed American, 0.27%; 1 homozygote.

Submissions (12):

CeGaT Center for Human Genetics Tuebingen
Classification: Likely benign. Last evaluated: 2026-06-01. Review status: criteria provided, single submitter. Criteria: CeGaT Center For Human Genetics Tuebingen Variant Classification Criteria Version 2. Collection method: clinical testing. Allele origin: germline. Affected: yes. Observed: 7 variant alleles.
Comment: RYR2: BP4, BP7, BS1

Labcorp Genetics (formerly Invitae), Labcorp
Classification: Benign for Catecholaminergic polymorphic ventricular tachycardia 1. Last evaluated: 2026-01-03. Review status: criteria provided, single submitter. Criteria: Invitae Variant Classification Sherloc (09022015). Collection method: clinical testing. Allele origin: germline.

Mayo Clinic Laboratories, Mayo Clinic
Classification: Benign. Last evaluated: 2025-05-20. Review status: criteria provided, single submitter. Criteria: ACMG Guidelines, 2015. Collection method: clinical testing. Allele origin: germline. Observed: 1 variant allele.
Comment: BS1, BP4, BP7

PreventionGenetics, part of Exact Sciences
Classification: Likely benign for RYR2-related condition. Last evaluated: 2025-02-07. Review status: criteria provided, single submitter. Criteria: ACMG Guidelines, 2015. Collection method: clinical testing. Allele origin: germline.
Comment: This variant is classified as likely benign based on ACMG/AMP sequence variant interpretation guidelines (Richards et al. 2015 PMID: 25741868, with internal and published modifications).

Blueprint Genetics
Classification: Likely benign. Last evaluated: 2024-02-19. Review status: criteria provided, single submitter. Criteria: ACMG Guidelines, 2015. Collection method: clinical testing. Allele origin: germline.

All of Us Research Program, National Institutes of Health
Classification: Benign for Catecholaminergic polymorphic ventricular tachycardia. Last evaluated: 2024-02-05. Review status: criteria provided, single submitter. Criteria: ACMG Guidelines, 2015. Collection method: clinical testing. Allele origin: germline. Inheritance: Autosomal dominant inheritance. Observed: 38 variant alleles, 38 heterozygotes.
Comment: This study involves interpretation of variants in research participants for the purpose of population health screening. Participant phenotype was not available at the time of variant classification. Additional details can be found in publication PMID: 35346344, PMCID: PMC8962531

Women's Health and Genetics/Laboratory Corporation of America, LabCorp
Classification: Benign. Last evaluated: 2023-10-19. Review status: criteria provided, single submitter. Criteria: LabCorp Variant Classification Summary - May 2015. Collection method: clinical testing. Allele origin: germline.

Ambry Genetics
Classification: Benign for Cardiovascular phenotype. Last evaluated: 2019-06-19. Review status: criteria provided, single submitter. Criteria: Ambry Variant Classification Scheme 2023. Collection method: clinical testing. Allele origin: germline.

Color Diagnostics, LLC DBA Color Health
Classification: Benign for Cardiomyopathy. Last evaluated: 2018-04-07. Review status: criteria provided, single submitter. Criteria: ACMG Guidelines, 2015. Collection method: clinical testing. Allele origin: germline.

Illumina Laboratory Services, Illumina
Classification: Likely benign for Catecholaminergic polymorphic ventricular tachycardia 1. Last evaluated: 2018-01-13. Review status: criteria provided, single submitter. Criteria: ICSL Variant Classification Criteria 13 December 2019. Collection method: clinical testing. Allele origin: germline.
Comment: This variant was observed in the ICSL laboratory as part of a predisposition screen in an ostensibly healthy population. It had not been previously curated by ICSL or reported in the Human Gene Mutation Database (HGMD: prior to June 1st, 2018), and was therefore a candidate for classification through an automated scoring system. Utilizing variant allele frequency, disease prevalence and penetrance estimates, and inheritance mode, an automated score was calculated to assess if this variant is too frequent to cause the disease. Based on the score and internal cut-off values, a variant classified as likely benign is not then subjected to further curation. The score for this variant resulted in a classification of likely benign for this disease.

Illumina Laboratory Services, Illumina
Classification: Benign for Catecholaminergic polymorphic ventricular tachycardia 1. Last evaluated: 2018-01-13. Review status: criteria provided, single submitter. Criteria: ICSL Variant Classification Criteria 13 December 2019. Collection method: clinical testing. Allele origin: germline.
Comment: This variant was observed in the ICSL laboratory as part of a predisposition screen in an ostensibly healthy population. It had not been previously curated by ICSL or reported in the Human Gene Mutation Database (HGMD: prior to June 1st, 2018), and was therefore a candidate for classification through an automated scoring system. Utilizing variant allele frequency, disease prevalence and penetrance estimates, and inheritance mode, an automated score was calculated to assess if this variant is too frequent to cause the disease. Based on the score and internal cut-off values, a variant classified as benign is not then subjected to further curation. The score for this variant resulted in a classification of benign for this disease.

GeneDx
Classification: Benign. Last evaluated: 2015-08-20. Review status: criteria provided, single submitter. Criteria: GeneDx Variant Classification Process June 2021. Collection method: clinical testing. Allele origin: germline. Affected: yes.